The following is an entry in ClinVar:

ClinVar aggregate classification (germline): Likely benign (1 of 4 stars; one submission).

Allele frequency attached by ClinVar (database versions not stated): ESP Exome Variant Server 0.00008; ExAC 0.00014; gnomAD 0.00018.

Submission:

CeGaT Center for Human Genetics Tuebingen
Classification: Likely benign. Last evaluated: 2023-01-01. Review status: criteria provided, single submitter. Criteria: CeGaT Center For Human Genetics Tuebingen Variant Classification Criteria Version 2. Collection method: clinical testing. Allele origin: germline. Affected: yes. Observed: 1 variant allele.
Comment: ZNF658: BP4, BP7

NM_033160.7(ZNF658):c.2007C>T (p.Tyr669=)

Gene: ZNF658 (zinc finger protein 658; plus strand). Cytogenetic location: 9q21.11.
Variant type: single nucleotide variant.
Coding change: c.2007C>T on transcript NM_033160.7 (MANE Select); coding-DNA position 2007, C replaced by T.
Protein change: p.Tyr669=; no amino-acid change (tyrosine 669 retained).
Molecular consequence: synonymous variant.
Genome position (GRCh38, 1-based): chr9:66,919,573, C>T. VCF-style: chr9-66919573-C-T. GRCh37 (hg19) VCF-style: chr9-40773268-G-A.
Other names: c.2007C>T, p.Tyr669= (NM_001317916.2).
Identifiers: ClinVar variation 2659211 (VCV002659211.24), dbSNP rs376087254, ClinGen allele CA5066613.